The following is an entry in ClinVar:

ClinVar aggregate classification (germline): Likely pathogenic (1 of 4 stars; one submission).

Conditions:
HCN1-related disorder. Also called: HCN1-related condition; HCN1-related disorders.

Submission:

Rady Children's Institute for Genomic Medicine, Rady Children's Hospital San Diego
Classification: Likely pathogenic for HCN1-Related disorders. Review status: criteria provided, single submitter. Criteria: ACMG Guidelines, 2015. Collection method: clinical testing. Allele origin: germline. Affected: yes.
Comment: This variant has not been previously reported or functionally characterized in the literature to our knowledge. The c.1127T>G (p.Met376Arg) variant is absent from the gnomAD population database and thus is presumed to be rare. The c.1127T>G (p.Met376Arg) variant affects a highly conserved amino acid and is predicted by multiple in silico tools to have a discordant effect on protein function. Analysis of the parental samples was negative for the variant, indicating this variant likely occurred as a de novo event. Based on the available evidence, the c.1127T>G (p.Met376Arg) variant is classified as Likely Pathogenic.

NM_021072.4(HCN1):c.1127T>G (p.Met376Arg)

Gene: HCN1 (hyperpolarization activated cyclic nucleotide gated potassium channel 1; minus strand). Cytogenetic location: 5p12.
Variant type: single nucleotide variant.
Coding change: c.1127T>G on transcript NM_021072.4 (MANE Select); coding-DNA position 1127, T replaced by G.
Protein change: p.Met376Arg; replaces methionine 376 with arginine.
Molecular consequence: missense variant.
Genome position (GRCh38, 1-based): chr5:45,396,595, A>C on the plus strand (T>G on the coding strand, the complement: HCN1 is on the minus strand). VCF-style: chr5-45396595-A-C. GRCh37 (hg19) VCF-style: chr5-45396697-A-C.
Other names: short protein forms M376R.
Identifiers: ClinVar variation 2584433 (VCV002584433.1), dbSNP rs2478007024, ClinGen allele CA359705365.